The following is an entry in ClinVar:

NM_000138.5(FBN1):c.479G>C (p.Cys160Ser)

Gene: FBN1 (fibrillin 1; minus strand). Cytogenetic location: 15q21.1.
Variant type: single nucleotide variant.
Coding change: c.479G>C on transcript NM_000138.5 (MANE Select); coding-DNA position 479, G replaced by C.
Protein change: p.Cys160Ser; replaces cysteine 160 with serine.
Molecular consequence: missense variant.
Genome position (GRCh38, 1-based): chr15:48,596,342, C>G on the plus strand (G>C on the coding strand, the complement: FBN1 is on the minus strand). VCF-style: chr15-48596342-C-G. GRCh37 (hg19) VCF-style: chr15-48888539-C-G.
Other names: c.479G>C, p.Cys160Ser (NM_001406716.1, NM_001406717.1); short protein forms C160S.
Identifiers: ClinVar variation 2921560 (VCV002921560.3), dbSNP rs1555404810, ClinGen allele CA392446343.

ClinVar aggregate classification (germline): Pathogenic (1 of 4 stars; one submission).

Conditions:
Marfan syndrome (MFS). Also called: MARFAN SYNDROME, TYPE I; Marfan syndrome type 1; Marfan's syndrome; Marfan syndrome, classic; FBN1-Related Marfan Syndrome. Identifiers: Orphanet 284963, Orphanet 558, MedGen C0024796, MONDO:0007947, OMIM 154700.
Familial thoracic aortic aneurysm and aortic dissection (TAAD). Also called: Thoracic aortic aneurysms and dissections. Identifiers: Orphanet 91387, MedGen C4707243, MONDO:0019625.

Submission:

Labcorp Genetics (formerly Invitae), Labcorp
Classification: Pathogenic for Marfan syndrome; Familial thoracic aortic aneurysm and aortic dissection. Last evaluated: 2023-12-19. Review status: criteria provided, single submitter. Criteria: Invitae Variant Classification Sherloc (09022015). Collection method: clinical testing. Allele origin: germline.
Comment: This sequence change replaces cysteine, which is neutral and slightly polar, with serine, which is neutral and polar, at codon 160 of the FBN1 protein (p.Cys160Ser). This variant is not present in population databases (gnomAD no frequency). This variant has not been reported in the literature in individuals affected with FBN1-related conditions. Advanced modeling of protein sequence and biophysical properties (such as structural, functional, and spatial information, amino acid conservation, physicochemical variation, residue mobility, and thermodynamic stability) performed at Invitae indicates that this missense variant is expected to disrupt FBN1 protein function with a positive predictive value of 95%. This variant affects a cysteine residue in the EGF-like, TGFBP or hybrid motif domains of FBN1. Cysteine residues are believed to be involved in intramolecular disulfide bridges and have been shown to be important for FBN1 protein structure (PMID: 16905551, 19349279). In addition, missense substitutions affecting cysteine residues within these domains are significantly overrepresented among patients with Marfan syndrome (PMID: 16571647, 17701892). This variant disrupts the p.Cys160 amino acid residue in FBN1. Other variant(s) that disrupt this residue have been observed in individuals with FBN1-related conditions (PMID: 17657824, 19293843), which suggests that this may be a clinically significant amino acid residue. For these reasons, this variant has been classified as Pathogenic.

Literature cited by the submitters: PubMed 16905551; PubMed 19349279; PubMed 16571647; PubMed 17701892; PubMed 17657824; PubMed 19293843.